The following is an entry in ClinVar:

NC_000012.11:g.(?_2659099)_(2695080_?)dup

Gene: CACNA1C (calcium voltage-gated channel subunit alpha1 C; plus strand). Cytogenetic location: 12p13.33.
Variant type: Duplication.
Identifiers: ClinVar variation 1373279 (VCV001373279.5).

ClinVar aggregate classification (germline): Uncertain significance (1 of 4 stars; one submission).

Conditions:
Long QT syndrome (LQTS). Identifiers: MedGen C0023976, MeSH D008133, MONDO:0002442. Disease mechanism: loss of function. Inheritance: Various modes of inheritance.

Submission:

Labcorp Genetics (formerly Invitae), Labcorp
Classification: Uncertain significance for Long QT syndrome. Last evaluated: 2021-02-11. Review status: criteria provided, single submitter. Criteria: Invitae Variant Classification Sherloc (09022015). Collection method: clinical testing. Allele origin: germline.
Comment: This variant has not been reported in the literature in individuals with CACNA1C-related conditions. In summary, the available evidence is currently insufficient to determine the role of this variant in disease. Therefore, it has been classified as a Variant of Uncertain Significance. Experimental studies and prediction algorithms are not available or were not evaluated, and the functional significance of this variant is currently unknown. This variant results in a copy number gain of the genomic region encompassing exon(s) 10-18 of the CACNA1C gene. While the exact position of this variant cannot be determined from the data, sub-genic copy number gains are generally in tandem (PMID: 25640679). This variant is predicted to be in-frame, and likely preserves the integrity of the reading frame.

Literature cited by the submitters: PubMed 25640679.